The following is an entry in ClinVar:

ClinVar aggregate classification (germline): Likely benign (1 of 4 stars; one submission).

Allele frequency attached by ClinVar (database versions not stated): gnomAD exomes 0.00007; ExAC 0.00023; ESP Exome Variant Server 0.00069; 1000 Genomes Project 0.00080; gnomAD 0.00084; TOPMed 0.00092; 1000 Genomes Project 30x 0.00094.

Submission:

CeGaT Center for Human Genetics Tuebingen
Classification: Likely benign. Last evaluated: 2023-01-01. Review status: criteria provided, single submitter. Criteria: CeGaT Center For Human Genetics Tuebingen Variant Classification Criteria Version 2. Collection method: clinical testing. Allele origin: germline. Affected: yes. Observed: 1 variant allele.
Comment: HPDL: BP4, BP7

NM_032756.4(HPDL):c.750G>C (p.Arg250=)

Gene: HPDL (4-hydroxyphenylpyruvate dioxygenase like; plus strand). Cytogenetic location: 1p34.1.
Variant type: single nucleotide variant.
Coding change: c.750G>C on transcript NM_032756.4 (MANE Select); coding-DNA position 750, G replaced by C.
Protein change: p.Arg250=; no amino-acid change (arginine 250 retained).
Molecular consequence: synonymous variant.
Genome position (GRCh38, 1-based): chr1:45,327,898, G>C. VCF-style: chr1-45327898-G-C. GRCh37 (hg19) VCF-style: chr1-45793570-G-C.
Identifiers: ClinVar variation 2638787 (VCV002638787.24), dbSNP rs150145508, ClinGen allele CA826319.